The following is an entry in ClinVar:

ClinVar aggregate classification (germline): Benign/Likely benign. Review status: criteria provided, multiple submitters, no conflicts (2 of 4 stars). 2 submissions from 2 submitters: Benign (1); Likely benign (1). Last evaluated 2026-01-02.

Allele frequency attached by ClinVar (database versions not stated): gnomAD 0.00005; TOPMed 0.00005; gnomAD exomes 0.00016; ExAC 0.00032; 1000 Genomes Project 0.00053; 1000 Genomes Project 30x 0.00062.
gnomAD v4.1: 191 of 1,210,415 alleles (0.016%); highest among the groups gnomAD compares: Middle Eastern, 0.3%; no homozygotes.

Submissions (2):

Labcorp Genetics (formerly Invitae), Labcorp
Classification: Benign. Last evaluated: 2026-01-02. Review status: criteria provided, single submitter. Criteria: Invitae Variant Classification Sherloc (09022015). Collection method: clinical testing. Allele origin: germline.

Mayo Clinic Laboratories, Mayo Clinic
Classification: Likely benign. Last evaluated: 2025-08-12. Review status: criteria provided, single submitter. Criteria: ACMG Guidelines, 2015. Collection method: clinical testing. Allele origin: germline. Observed: 1 variant allele.
Comment: BS2, BP4, BP7

NM_016562.4(TLR7):c.363A>G (p.Arg121=)

Gene: TLR7 (toll like receptor 7; plus strand). Cytogenetic location: Xp22.2.
Variant type: single nucleotide variant.
Coding change: c.363A>G on transcript NM_016562.4 (MANE Select); coding-DNA position 363, A replaced by G.
Protein change: p.Arg121=; no amino-acid change (arginine 121 retained).
Molecular consequence: synonymous variant.
Genome position (GRCh38, 1-based): chrX:12,885,871, A>G. VCF-style: chrX-12885871-A-G. GRCh37 (hg19) VCF-style: chrX-12903990-A-G.
Other names: p.Arg121=.
Identifiers: ClinVar variation 2148959 (VCV002148959.5), dbSNP rs201380803, ClinGen allele CA10349922.